The following is an entry in ClinVar:

NM_000138.5(FBN1):c.1147+5G>A

Genes: FBN1 (fibrillin 1; minus strand), LOC113939944 (Sharpr-MPRA regulatory region 9539; plus strand). Cytogenetic location: 15q21.1.
Variant type: single nucleotide variant.
Coding change: c.1147+5G>A on transcript NM_000138.5 (MANE Select); 5 bases into the intron after coding-DNA position 1147, G replaced by A.
Molecular consequence: intron variant.
Genome position (GRCh38, 1-based): chr15:48,520,654, C>T on the plus strand (G>A on the coding strand, the complement: FBN1 is on the minus strand). VCF-style: chr15-48520654-C-T. GRCh37 (hg19) VCF-style: chr15-48812851-C-T.
Other names: c.1147+5G>A (NM_001406716.1).
Identifiers: ClinVar variation 4812921 (VCV004812921.1).

ClinVar aggregate classification (germline): Uncertain significance (1 of 4 stars; one submission).

Submission:

GeneDx
Classification: Uncertain significance. Last evaluated: 2025-08-27. Review status: criteria provided, single submitter. Criteria: GeneDx Variant Classification Process June 2021. Collection method: clinical testing. Allele origin: germline. Affected: yes.
Comment: Not observed at significant frequency in large population cohorts (gnomAD); Has not been previously published as pathogenic or benign to our knowledge; In silico analysis is inconclusive as to whether the variant alters gene splicing. In the absence of RNA/functional studies, the actual effect of this sequence change is unknown.